The following is an entry in ClinVar:

NM_001365536.1(SCN9A):c.5C>T (p.Ala2Val)

Gene: SCN9A (sodium voltage-gated channel alpha subunit 9; minus strand). Cytogenetic location: 2q24.3.
Variant type: single nucleotide variant.
Coding change: c.5C>T on transcript NM_001365536.1 (MANE Select); coding-DNA position 5, C replaced by T.
Protein change: p.Ala2Val; replaces alanine 2 with valine.
Molecular consequence: missense variant.
Genome position (GRCh38, 1-based): chr2:166,311,752, G>A on the plus strand (C>T on the coding strand, the complement: SCN9A is on the minus strand). VCF-style: chr2-166311752-G-A. GRCh37 (hg19) VCF-style: chr2-167168262-G-A.
Other names: c.5C>T, p.Ala2Val (NM_002977.4); short protein forms A2V.
Identifiers: ClinVar variation 2058209 (VCV002058209.4), dbSNP rs2468155894, ClinGen allele CA349096308.

ClinVar aggregate classification (germline): Uncertain significance (1 of 4 stars; one submission).

Conditions:
Generalized epilepsy with febrile seizures plus, type 7 (GEFSP7). Also called: GEFS+, TYPE 7. Identifiers: Orphanet 36387, MedGen C2751778, MONDO:0013470, OMIM 613863.
Neuropathy, hereditary sensory and autonomic, type 2A (HSAN2A). Also called: MORVAN DISEASE; WNK1-Related HSAN2 (HSAN2A); NEUROPATHY, CONGENITAL SENSORY; NEUROPATHY, HEREDITARY SENSORY RADICULAR, AUTOSOMAL RECESSIVE; NEUROPATHY, HEREDITARY SENSORY, TYPE IIA; NEUROPATHY, PROGRESSIVE SENSORY, OF CHILDREN. Identifiers: Orphanet 970, MedGen C2752089, MONDO:0024309, OMIM 201300.

gnomAD v4.1: 1 of 1,599,450 alleles (0.000063%); highest among the groups gnomAD compares: Non-Finnish European, 0.000085%; no homozygotes.

Submission:

Labcorp Genetics (formerly Invitae), Labcorp
Classification: Uncertain significance for Neuropathy, hereditary sensory and autonomic, type 2A; Generalized epilepsy with febrile seizures plus, type 7. Last evaluated: 2022-07-18. Review status: criteria provided, single submitter. Criteria: Invitae Variant Classification Sherloc (09022015). Collection method: clinical testing. Allele origin: germline.
Comment: This sequence change replaces alanine, which is neutral and non-polar, with valine, which is neutral and non-polar, at codon 2 of the SCN9A protein (p.Ala2Val). In summary, the available evidence is currently insufficient to determine the role of this variant in disease. Therefore, it has been classified as a Variant of Uncertain Significance. Algorithms developed to predict the effect of sequence changes on RNA splicing suggest that this variant may create or strengthen a splice site. Algorithms developed to predict the effect of missense changes on protein structure and function (SIFT, PolyPhen-2, Align-GVGD) all suggest that this variant is likely to be tolerated. This variant has not been reported in the literature in individuals affected with SCN9A-related conditions. This variant is not present in population databases (gnomAD no frequency).